The following is an entry in ClinVar:

ClinVar aggregate classification (germline): Pathogenic/Likely pathogenic. Review status: criteria provided, multiple submitters, no conflicts (2 of 4 stars). 6 submissions from 5 submitters: Pathogenic (1); Likely pathogenic (4). 1 of the submissions does not count toward it. Last evaluated 2024-09-27.

Conditions:
Peripheral motor neuropathy, childhood-onset, biotin-responsive. Identifiers: MedGen C5676997, MONDO:0859255, OMIM 619903.
Neurodegeneration, infantile-onset, biotin-responsive. Also called: SODIUM-DEPENDENT MULTIVITAMIN TRANSPORTER DEFICIENCY; SMVT DEFICIENCY. Identifiers: Orphanet 521268, MedGen C5436520, MONDO:0033546, OMIM 618973.

gnomAD v4.1: 1 of 1,613,478 alleles (0.000062%); highest among the groups gnomAD compares: South Asian, 0.0011%; no homozygotes.

Submissions (6):

Women's Health and Genetics/Laboratory Corporation of America, LabCorp
Classification: Pathogenic for Neurodegeneration, infantile-onset, biotin-responsive. Last evaluated: 2024-09-27. Review status: criteria provided, single submitter. Criteria: LabCorp Variant Classification Summary - May 2015. Collection method: clinical testing. Allele origin: germline.
Comment: Variant summary: SLC5A6 c.1285A>G (p.Ser429Gly) results in a non-conservative amino acid change in the encoded protein sequence. Four of five in-silico tools predict a damaging effect of the variant on protein function. The variant was absent in 251426 control chromosomes. c.1285A>G has been reported in the literature in three homozygous siblings and a fourth unrelated homozygous individual affected with biotin-responsive motor neuropathy (e.g. Holling_2022). These data indicate that the variant is very likely to be associated with disease. The following publication has been ascertained in the context of this evaluation (PMID: 35013551). ClinVar contains an entry for this variant (Variation ID: 1341352). . Based on the evidence outlined above, the variant was classified as pathogenic.

Kids Research, The Children's Hospital at Westmead
Classification: Likely pathogenic for Neurodegeneration, infantile-onset, biotin-responsive. Last evaluated: 2022-12-04. Review status: criteria provided, single submitter. Criteria: ACMG Guidelines, 2015. Collection method: research. Allele origin: maternal. Affected: yes.

Victorian Clinical Genetics Services, Murdoch Childrens Research Institute
Classification: Likely pathogenic for Neurodegeneration, infantile-onset, biotin-responsive. Last evaluated: 2022-02-02. Review status: criteria provided, single submitter. Criteria: ACMG Guidelines, 2015. Collection method: clinical testing. Allele origin: germline. Inheritance: Autosomal recessive inheritance. Affected: yes.
Comment: Based on the classification scheme VCGS_Germline_v1.3.4, this variant is classified as Likely Pathogenic. Following criteria are met: 0102 - Loss of function is a known mechanism of disease in this gene and is associated with neurodegeneration, infantile-onset, biotin-responsive (MIM#618973). (I) 0106 - This gene is associated with autosomal recessive disease. (I) 0200 - Variant is predicted to result in a missense amino acid change from serine to glycine. (I) 0251 - This variant is heterozygous. (I) 0301 - Variant is absent from gnomAD (both v2 and v3). (SP) 0309 - An alternative amino acid change at the same position has been observed in gnomAD (v2: 1 heterozygote, 0 homozygote). (I) 0502 - Missense variant with conflicting in silico predictions and uninformative conservation. (I) 0600 - Variant is located in the annotated SSF domain (DECIPHER, PDB). (I) 0705 - No comparable missense variants have previous evidence for pathogenicity. (I) 0807 - This variant has no previous evidence of pathogenicity. (I) 0903 - This variant has limited evidence for segregation with disease. (SP) 1001 - This variant has strong functional evidence supporting abnormal protein function. Functional studies using this individual's fibroblasts (compound heterozygous with c.393+2T>C) demonstrated both markedly reduced mRNA expression and biotin uptake (personal communication). (SP) 1201 - Heterozygous variant detected in trans with a second likely pathogenic heterozygous variant (NM_021095.2:c.393+2T>C; p.(Val5_Glu131del) or p.(Glu131_Tyr132ins22*)) in a recessive disease. (I) Legend: (SP) - Supporting pathogenic, (I) - Information, (SB) - Supporting benign

Suma Genomics
Classification: Likely pathogenic for Neurodegeneration, infantile-onset, biotin-responsive. Review status: criteria provided, single submitter. Criteria: ACMG Guidelines, 2015. Collection method: clinical testing. Allele origin: inherited. Inheritance: Autosomal recessive inheritance. Affected: yes.

Suma Genomics
Classification: Likely pathogenic for Peripheral motor neuropathy, childhood-onset, biotin-responsive. Review status: criteria provided, single submitter. Criteria: ACMG Guidelines, 2015. Collection method: clinical testing. Allele origin: inherited. Inheritance: Autosomal recessive inheritance. Affected: yes.

OMIM
Classification: Pathogenic for PERIPHERAL MOTOR NEUROPATHY, CHILDHOOD-ONSET, BIOTIN-RESPONSIVE. Last evaluated: 2022-06-02. Review status: no assertion criteria provided. Collection method: literature only. Allele origin: germline. Not counted in ClinVar's aggregate classification.

Literature cited by the submitters: PubMed 35013551 (cited by Women's Health and Genetics/Laboratory Corporation of America, LabCorp and OMIM).

NM_021095.4(SLC5A6):c.1285A>G (p.Ser429Gly)

Gene: SLC5A6 (solute carrier family 5 member 6; minus strand). Cytogenetic location: 2p23.3.
Variant type: single nucleotide variant.
Coding change: c.1285A>G on transcript NM_021095.4 (MANE Select); coding-DNA position 1285, A replaced by G.
Protein change: p.Ser429Gly; replaces serine 429 with glycine.
Molecular consequence: missense variant. On other transcripts: non-coding transcript variant (1).
Genome position (GRCh38, 1-based): chr2:27,202,065, T>C on the plus strand (A>G on the coding strand, the complement: SLC5A6 is on the minus strand). VCF-style: chr2-27202065-T-C. GRCh37 (hg19) VCF-style: chr2-27424933-T-C.
Other names: c.1285A>Gtransition (NM_021095.4); c.1285A>G (NM_021095.2); short protein forms S429G.
Identifiers: ClinVar variation 1341352 (VCV001341352.29), dbSNP rs2147992303, ClinGen allele CA346165460.
Genomic context (GRCh38, chr2:27,202,065, plus strand): 5'-GAAAGAACATTCCAAGGCAGAAGAGTCCCAGCAGCGGTCCCCCAACCATGCCAAAGATGC[T>C]GATTGCTGCCTAGGAGGACAGGGTGAGAAGAAAAGGAAAAAGAACACAGACTCAGAGATG-3'
Protein context (NP_066918.2, residues 419-439): QMGPVLQAAI[Ser429Gly]IFGMVGGPLL